The following is an entry in ClinVar:

ClinVar aggregate classification (germline): Uncertain significance (1 of 4 stars; one submission).

Conditions:
Hereditary cancer-predisposing syndrome. Also called: Neoplastic Syndromes, Hereditary; Tumor predisposition; Hereditary Cancer Syndrome; Hereditary neoplastic syndrome. Identifiers: Orphanet 140162, MedGen C0027672, MeSH D009386, MONDO:0015356.

Submission:

Ambry Genetics
Classification: Uncertain significance for Hereditary cancer-predisposing syndrome. Last evaluated: 2026-04-24. Review status: criteria provided, single submitter. Criteria: Ambry Variant Classification Scheme 2023. Collection method: clinical testing. Allele origin: germline.
Comment: The p.A477T variant (also known as c.1429G>A), located in coding exon 9 of the MSH3 gene, results from a G to A substitution at nucleotide position 1429. The alanine at codon 477 is replaced by threonine, an amino acid with similar properties. This amino acid position is conserved. In addition, this alteration is predicted to be tolerated by in silico analysis. Based on the available evidence, the clinical significance of this variant remains unclear.

NM_002439.5(MSH3):c.1429G>A (p.Ala477Thr)

Gene: MSH3 (mutS homolog 3; plus strand). Cytogenetic location: 5q14.1.
Variant type: single nucleotide variant.
Coding change: c.1429G>A on transcript NM_002439.5 (MANE Select); coding-DNA position 1429, G replaced by A.
Protein change: p.Ala477Thr; replaces alanine 477 with threonine.
Molecular consequence: missense variant.
Genome position (GRCh38, 1-based): chr5:80,725,541, G>A. VCF-style: chr5-80725541-G-A. GRCh37 (hg19) VCF-style: chr5-80021360-G-A.
Other names: short protein forms A477T.
Identifiers: ClinVar variation 4860340 (VCV004860340.1).
Genomic context (GRCh38, chr5:80,725,541, plus strand): 5'-AGGATGGATAACATTTATTTTGAATACAGCCATGCTTTCCAGGCAGTTACAGAGTTTTAT[G>A]CAAAAGATACAGTTGACATCAAAGGTAAATATTTTCCCTGTATGTCCTCAAGTTGAACTG-3'
Protein context (NP_002430.3, residues 467-487): HAFQAVTEFY[Ala477Thr]KDTVDIKGSQ